The following is an entry in ClinVar:

ClinVar aggregate classification (germline): Likely benign. Review status: criteria provided, multiple submitters, no conflicts (2 of 4 stars). 3 submissions from 3 submitters: Likely benign (2). 1 of the submissions does not count toward it. Last evaluated 2025-09-02.

Conditions:
ADCY1-related disorder. Also called: ADCY1-related condition.

Allele frequency attached by ClinVar (database versions not stated): ESP Exome Variant Server 0.00031.
gnomAD v4.1: 168 of 1,613,902 alleles (0.01%); highest among the groups gnomAD compares: Middle Eastern, 0.016%; no homozygotes.

Submissions (3):

Labcorp Genetics (formerly Invitae), Labcorp
Classification: Likely benign. Last evaluated: 2025-09-02. Review status: criteria provided, single submitter. Criteria: Invitae Variant Classification Sherloc (09022015). Collection method: clinical testing. Allele origin: germline.

Blueprint Genetics
Classification: Likely benign. Last evaluated: 2024-11-21. Review status: criteria provided, single submitter. Criteria: ACMG Guidelines, 2015. Collection method: clinical testing. Allele origin: germline.

PreventionGenetics, part of Exact Sciences
Classification: Likely benign for ADCY1-related condition. Last evaluated: 2024-09-05. Review status: no assertion criteria provided. Collection method: clinical testing. Allele origin: germline. Not counted in ClinVar's aggregate classification.
Comment: This variant is classified as likely benign based on ACMG/AMP sequence variant interpretation guidelines (Richards et al. 2015 PMID: 25741868, with internal and published modifications).

NM_021116.4(ADCY1):c.1203G>A (p.Thr401=)

Gene: ADCY1 (adenylate cyclase 1; plus strand). Cytogenetic location: 7p12.3.
Variant type: single nucleotide variant.
Coding change: c.1203G>A on transcript NM_021116.4 (MANE Select); coding-DNA position 1203, G replaced by A.
Protein change: p.Thr401=; no amino-acid change (threonine 401 retained).
Molecular consequence: synonymous variant.
Genome position (GRCh38, 1-based): chr7:45,657,781, G>A. VCF-style: chr7-45657781-G-A. GRCh37 (hg19) VCF-style: chr7-45697380-G-A.
Other names: c.528G>A, p.Thr176= (NM_001281768.2); c.1203G>A (NM_021116.2).
Identifiers: ClinVar variation 1623256 (VCV001623256.10), dbSNP rs139030994, ClinGen allele CA4248895.